The following is an entry in ClinVar:

NM_001365588.1(NLGN4Y):c.1817_1818del (p.Lys606fs)

Gene: NLGN4Y (neuroligin 4 Y-linked; plus strand). Cytogenetic location: Yq11.221.
Variant type: Deletion.
Coding change: c.1817_1818del on transcript NM_001365588.1 (MANE Select); coding-DNA positions 1817 to 1818, 2 bases deleted (AA; older notation c.1817_1818delAA).
Protein change: p.Lys606fs; shifts the reading frame from lysine 606.
Molecular consequence: frameshift variant.
Genome position (GRCh38, 1-based): chrY:14,840,568-14,840,569, AA deleted; deleting any 2 consecutive bases within chrY:14,840,567-14,840,569 gives the same sequence; the c. name uses the placement nearest the transcript's 3' end. VCF-style (leftmost placement, unchanged base first): chrY-14840566-GAA-G. GRCh37 (hg19) VCF-style: chrY-16952446-GAA-G.
Other names: c.1757_1758del, p.Lys586fs (NM_001365590.1, NM_001365591.1, NM_001365592.1 and 3 more transcripts); c.1817_1818del, p.Lys606fs (NM_001394830.1, NM_001365584.1, NM_001365586.1); c.1253_1254del, p.Lys418fs (NM_001206850.2); short protein forms K418fs, K586fs, K606fs.
Identifiers: ClinVar variation 4886305 (VCV004886305.2).

ClinVar aggregate classification (germline): Uncertain significance (1 of 4 stars; one submission).

Submission:

Dasa
Classification: Uncertain significance. Last evaluated: 2026-03-30. Review status: criteria provided, single submitter. Criteria: DASA Assertion Criteria. Collection method: clinical testing. Allele origin: germline.
Comment: NM_001365588.1(NLGN4Y):c.1817_1818del (p.Lys606Serfs*65) is a frameshift variant in NLGN4Y predicted to alter the reading frame and introduce a premature termination codon. This variant is rare in population databases. The currently available literature and clinical evidence are not sufficient to establish a definitive association between this variant and the reported condition. Therefore, this variant is classified as a variant of uncertain significance.